The following is an entry in ClinVar:

ClinVar aggregate classification (germline): Benign/Likely benign. Review status: criteria provided, multiple submitters, no conflicts (2 of 4 stars). 9 submissions from 9 submitters: Benign (3); Likely benign (3). 3 of the submissions do not count toward it. Last evaluated 2025-11-18.

Conditions:
SLC1A3-related disorder. Also called: SLC1A3-related condition.
Episodic ataxia type 6. Identifiers: Orphanet 209967, MedGen C2675211, MONDO:0012982, OMIM 612656.

Allele frequency attached by ClinVar (database versions not stated): ESP Exome Variant Server 0.00008; 1000 Genomes Project 30x 0.00031; 1000 Genomes Project 0.00040; TOPMed 0.00040; gnomAD 0.00061 and 0.00063.
gnomAD v4.1: 1,176 of 1,613,780 alleles (0.073%); highest among the groups gnomAD compares: Non-Finnish European, 0.085%; 2 homozygotes.

Submissions (9):

Labcorp Genetics (formerly Invitae), Labcorp
Classification: Benign. Last evaluated: 2025-11-18. Review status: criteria provided, single submitter. Criteria: Invitae Variant Classification Sherloc (09022015). Collection method: clinical testing. Allele origin: germline.

CeGaT Center for Human Genetics Tuebingen
Classification: Likely benign. Last evaluated: 2025-09-01. Review status: criteria provided, single submitter. Criteria: CeGaT Center For Human Genetics Tuebingen Variant Classification Criteria Version 2. Collection method: clinical testing. Allele origin: germline. Affected: yes. Observed: 9 variant alleles.
Comment: SLC1A3: BP4, BP7

Blueprint Genetics
Classification: Likely benign. Last evaluated: 2024-11-19. Review status: criteria provided, single submitter. Criteria: ACMG Guidelines, 2015. Collection method: clinical testing. Allele origin: germline.

Illumina Laboratory Services, Illumina
Classification: Benign for Episodic ataxia type 6. Last evaluated: 2018-01-12. Review status: criteria provided, single submitter. Criteria: ICSL Variant Classification Criteria 13 December 2019. Collection method: clinical testing. Allele origin: germline.
Comment: This variant was observed in the ICSL laboratory as part of a predisposition screen in an ostensibly healthy population. It had not been previously curated by ICSL or reported in the Human Gene Mutation Database (HGMD: prior to June 1st, 2018), and was therefore a candidate for classification through an automated scoring system. Utilizing variant allele frequency, disease prevalence and penetrance estimates, and inheritance mode, an automated score was calculated to assess if this variant is too frequent to cause the disease. Based on the score and internal cut-off values, a variant classified as benign is not then subjected to further curation. The score for this variant resulted in a classification of benign for this disease.

Athena Diagnostics
Classification: Benign. Last evaluated: 2017-02-22. Review status: criteria provided, single submitter. Criteria: Athena Diagnostics Criteria. Collection method: clinical testing. Allele origin: germline.

Breakthrough Genomics
Classification: Likely benign. Review status: criteria provided, single submitter. Criteria: ACMG Guidelines, 2015. Collection method: not provided. Allele origin: germline. Inheritance: Autosomal dominant inheritance. Affected: yes.

PreventionGenetics, part of Exact Sciences
Classification: Likely benign for SLC1A3-related condition. Last evaluated: 2024-09-10. Review status: no assertion criteria provided. Collection method: clinical testing. Allele origin: germline. Not counted in ClinVar's aggregate classification.
Comment: This variant is classified as likely benign based on ACMG/AMP sequence variant interpretation guidelines (Richards et al. 2015 PMID: 25741868, with internal and published modifications).

Clinical Genetics DNA and cytogenetics Diagnostics Lab, Erasmus MC, Erasmus Medical Center
Classification: Likely benign. Review status: no assertion criteria provided. Collection method: clinical testing. Allele origin: germline. Affected: yes. Study: VKGL Data-share Consensus. Not counted in ClinVar's aggregate classification.

Genome Diagnostics Laboratory, University Medical Center Utrecht
Classification: Likely benign. Review status: no assertion criteria provided. Collection method: clinical testing. Allele origin: germline. Affected: yes. Study: VKGL Data-share Consensus. Not counted in ClinVar's aggregate classification.

NM_004172.5(SLC1A3):c.15T>C (p.Asn5=)

Gene: SLC1A3 (solute carrier family 1 member 3; plus strand). Cytogenetic location: 5p13.2.
Variant type: single nucleotide variant.
Coding change: c.15T>C on transcript NM_004172.5 (MANE Select); coding-DNA position 15, T replaced by C.
Protein change: p.Asn5=; no amino-acid change (asparagine 5 retained).
Molecular consequence: synonymous variant.
Genome position (GRCh38, 1-based): chr5:36,608,438, T>C. VCF-style: chr5-36608438-T-C. GRCh37 (hg19) VCF-style: chr5-36608540-T-C.
Other names: c.15T>C, p.Asn5= (NM_001166695.3, NM_001166696.3, NM_001289939.2 and 1 more transcripts).
Identifiers: ClinVar variation 353306 (VCV000353306.51), dbSNP rs143791614, ClinGen allele CA3235307.
Genomic context (GRCh38, chr5:36,608,438, plus strand): 5'-CCAGACACTGAAGTGCAAAGAAGAGACCCTCCTAGAAAAGTAAAATATGACTAAAAGCAA[T>C]GGAGAAGAGCCCAAGATGGGGGGCAGGATGGAGAGATTCCAGCAGGGAGTCCGTAAACGC-3'
Protein context (NP_004163.3, residues 1-15): MTKS[Asn5=]GEEPKMGGRM